The following is an entry in ClinVar:

NM_004006.3(DMD):c.118C>T (p.Leu40Phe)

Gene: DMD (dystrophin; minus strand). Cytogenetic location: Xp21.1.
Variant type: single nucleotide variant.
Coding change: c.118C>T on transcript NM_004006.3 (MANE Select); coding-DNA position 118, C replaced by T.
Protein change: p.Leu40Phe; replaces leucine 40 with phenylalanine.
Molecular consequence: missense variant. On other transcripts: 5 prime UTR variant (1).
Genome position (GRCh38, 1-based): chrX:32,849,796, G>A on the plus strand (C>T on the coding strand, the complement: DMD is on the minus strand). VCF-style: chrX-32849796-G-A. GRCh37 (hg19) VCF-style: chrX-32867913-G-A.
Other names: c.94C>T, p.Leu32Phe (NM_000109.4); c.106C>T, p.Leu36Phe (NM_004009.3); c.-252C>T (NM_004010.3); short protein forms L40F, L36F, L32F.
Identifiers: ClinVar variation 1504400 (VCV001504400.5), dbSNP rs1001154410, ClinGen allele CA412674952.

ClinVar aggregate classification (germline): Uncertain significance (1 of 4 stars; one submission).

Conditions:
Duchenne muscular dystrophy (DMD). Also called: Duchenne Muscular Dystrophy (DMD); MUSCULAR DYSTROPHY, PSEUDOHYPERTROPHIC PROGRESSIVE, DUCHENNE TYPE. Identifiers: Orphanet 98896, MedGen C0013264, MONDO:0010679, OMIM 310200.

gnomAD v4.1: 4 of 1,205,877 alleles (0.00033%); highest among the groups gnomAD compares: Non-Finnish European, 0.00045%; no homozygotes.

Submission:

Labcorp Genetics (formerly Invitae), Labcorp
Classification: Uncertain significance for Duchenne muscular dystrophy. Last evaluated: 2021-08-20. Review status: criteria provided, single submitter. Criteria: Invitae Variant Classification Sherloc (09022015). Collection method: clinical testing. Allele origin: germline.
Comment: This sequence change replaces leucine with phenylalanine at codon 40 of the DMD protein (p.Leu40Phe). The leucine residue is highly conserved and there is a small physicochemical difference between leucine and phenylalanine. This variant is not present in population databases (ExAC no frequency). This variant has not been reported in the literature in individuals affected with DMD-related conditions. Algorithms developed to predict the effect of missense changes on protein structure and function are either unavailable or do not agree on the potential impact of this missense change (SIFT: "Deleterious"; PolyPhen-2: "Probably Damaging"; Align-GVGD: "Class C15"). In summary, the available evidence is currently insufficient to determine the role of this variant in disease. Therefore, it has been classified as a Variant of Uncertain Significance.